The following is an entry in ClinVar:

NM_000138.5(FBN1):c.8598C>A (p.Ile2866=)

Gene: FBN1 (fibrillin 1; minus strand). Cytogenetic location: 15q21.1.
Variant type: single nucleotide variant.
Coding change: c.8598C>A on transcript NM_000138.5 (MANE Select); coding-DNA position 8598, C replaced by A.
Protein change: p.Ile2866=; no amino-acid change (isoleucine 2866 retained).
Molecular consequence: synonymous variant.
Genome position (GRCh38, 1-based): chr15:48,411,008, G>T on the plus strand (C>A on the coding strand, the complement: FBN1 is on the minus strand). VCF-style: chr15-48411008-G-T. GRCh37 (hg19) VCF-style: chr15-48703205-G-T.
Identifiers: ClinVar variation 925519 (VCV000925519.11), dbSNP rs1566888537, ClinGen allele CA490118682.

ClinVar aggregate classification (germline): Likely benign. Review status: criteria provided, multiple submitters, no conflicts (2 of 4 stars). 4 submissions from 4 submitters: Likely benign (4). Last evaluated 2025-12-03.

Conditions:
Marfan syndrome (MFS). Also called: Marfan syndrome, classic; Marfan syndrome type 1; Marfan's syndrome; FBN1-Related Marfan Syndrome; MARFAN SYNDROME, TYPE I. Identifiers: Orphanet 284963, Orphanet 558, MedGen C0024796, MONDO:0007947, OMIM 154700.
Familial thoracic aortic aneurysm and aortic dissection (TAAD). Also called: Thoracic aortic aneurysms and dissections. Identifiers: Orphanet 91387, MedGen C4707243, MONDO:0019625.

Allele frequency attached by ClinVar (database versions not stated): gnomAD 0.00001; TOPMed 0.00001.
gnomAD v4.1: 1 of 1,613,402 alleles (0.000062%); highest among the groups gnomAD compares: Non-Finnish European, 0.000085%; no homozygotes.

Submissions (4):

Labcorp Genetics (formerly Invitae), Labcorp
Classification: Likely benign for Marfan syndrome; Familial thoracic aortic aneurysm and aortic dissection. Last evaluated: 2025-12-03. Review status: criteria provided, single submitter. Criteria: Invitae Variant Classification Sherloc (09022015). Collection method: clinical testing. Allele origin: germline.

All of Us Research Program, National Institutes of Health
Classification: Likely benign for Marfan syndrome. Last evaluated: 2023-12-18. Review status: criteria provided, single submitter. Criteria: ACMG Guidelines, 2015. Collection method: clinical testing. Allele origin: germline. Inheritance: Autosomal dominant inheritance. Observed: 1 variant allele, 1 heterozygote.
Comment: This study involves interpretation of variants in research participants for the purpose of population health screening. Participant phenotype was not available at the time of variant classification. Additional details can be found in publication PMID: 35346344, PMCID: PMC8962531

Ambry Genetics
Classification: Likely benign for Familial thoracic aortic aneurysm and aortic dissection. Last evaluated: 2023-12-16. Review status: criteria provided, single submitter. Criteria: Ambry Variant Classification Scheme 2023. Collection method: clinical testing. Allele origin: germline.

Color Diagnostics, LLC DBA Color Health
Classification: Likely benign for Familial thoracic aortic aneurysm and aortic dissection. Last evaluated: 2019-07-15. Review status: criteria provided, single submitter. Criteria: ACMG Guidelines, 2015. Collection method: clinical testing. Allele origin: germline.